The following continues an entry in ClinVar:

NM_001048174.2(MUTYH):c.1063del (p.Ala357fs)

Gene: MUTYH. ClinVar aggregate classification (germline): Pathogenic/Likely pathogenic. Pathogenic (27); Likely pathogenic (2).

Submissions 9 to 21 of 39:

Institute for Biomarker Research, Medical Diagnostic Laboratories, L.L.C.
Classification: Pathogenic for Hereditary cancer-predisposing syndrome. Last evaluated: 2025-09-30. Review status: criteria provided, single submitter. Criteria: ACMG Guidelines, 2015. Collection method: clinical testing. Allele origin: germline.
Comment: The frameshift deletion NM_001128425.2(MUTYH):c.1147delC (p.Ala385Profs*23) has been reported to ClinVar as Pathogenic/Likely pathogenic with a status of (2 stars) criteria provided, multiple submitters, no conflicts (Variation ID 134860 as of 2025-09-04). This variant is predicted to cause loss of normal protein function through protein truncation caused a frameshift mutation. This variant is a frameshift variant which occurs in an exon of MUTYH upstream of where nonsense mediated decay is predicted to occur. This variant has been previously classified as pathogenic, indicating that the region is critical to protein function. The p.Ala385Profs*23 variant is a loss of function variant in the gene MUTYH, which is intolerant of Loss of Function variants, as indicated by the presence of existing pathogenic loss of function variant NP_001121897.1:p.P3Hfs*41 and 215 others. For these reasons, this variant has been classified as Pathogenic.

ARUP Laboratories, Molecular Genetics and Genomics, ARUP Laboratories
Classification: Pathogenic. Last evaluated: 2025-06-17. Review status: criteria provided, single submitter. Criteria: ARUP Molecular Germline Variant Investigation Process 2024. Collection method: clinical testing. Allele origin: germline.
Comment: The MUTYH c.1147del; p.Ala385ProfsTer23 variant (rs587778536), also known as 1105del, is reported in the literature in multiple individuals with MUTYH-associated polyposis (see Nielsen 2005, Sieber 2003, Sommer 2022, Vogt 2009). This variant is also reported in ClinVar (Variation ID: 134860). It is observed in the general population with an overall allele frequency of 0.006% (18/281328 alleles) in the Genome Aggregation Database. This variant causes a frameshift by deleting a single nucleotide, so it is predicted to result in a truncated protein or mRNA subject to nonsense-mediated decay. Based on available information, this variant is considered to be pathogenic. References: Nielsen M et al. Multiplicity in polyp count and extracolonic manifestations in 40 Dutch patients with MYH associated polyposis coli (MAP). J Med Genet. 2005 Sep;42(9):e54. PMID: 16140997. Sieber OM et al. Multiple colorectal adenomas, classic adenomatous polyposis, and germ-line mutations in MYH. N Engl J Med. 2003 Feb 27;348(9):791-9. PMID: 12606733. Sommer AK et al. Solving the genetic aetiology of hereditary gastrointestinal tumour syndromes- a collaborative multicentre endeavour within the project Solve-RD. Eur J Med Genet. 2022 May;65(5):104475. PMID: 35283344. Vogt S et al. Expanded extracolonic tumor spectrum in MUTYH-associated polyposis. Gastroenterology. 2009 Dec;137(6):1976-85.e1-10. PMID: 19732775.

Molecular Pathology, Peter Maccallum Cancer Centre
Classification: Pathogenic for Familial adenomatous polyposis 2. Last evaluated: 2024-11-28. Review status: criteria provided, single submitter. Criteria: ACMG Guidelines, 2015. Collection method: clinical testing. Allele origin: germline. Inheritance: Autosomal recessive inheritance.

Blueprint Genetics
Classification: Likely pathogenic for MUTYH-related disorders. Last evaluated: 2024-11-13. Review status: criteria provided, single submitter. Criteria: ACMG Guidelines, 2015. Collection method: clinical testing. Allele origin: germline. Affected: yes. Observed: 3 variant alleles.

All of Us Research Program, National Institutes of Health
Classification: Pathogenic for Familial adenomatous polyposis 2. Last evaluated: 2024-09-03. Review status: criteria provided, single submitter. Criteria: ACMG Guidelines, 2015. Collection method: clinical testing. Allele origin: germline. Inheritance: Autosomal recessive inheritance. Observed: 37 variant alleles, 37 heterozygotes.
Comment: This variant deletes 1 nucleotide in exon 12 of the MUTYH gene, creating a frameshift and premature translation stop signal. This variant is also known as c.1105delC, c.1103delC and c.1063delC in the literature. This variant is expected to result in an absent or non-functional protein product. Functional studies have found this variant to cause MUTYH protein instability and impaired DNA repair activities in carrier cells and abolished glycosylase and DNA binding activities in vitro (PMID: 15987719, 18534194. 23108399). This variant has been observed in multiple homozygous and biallelic carriers affected with polyposis and/or colorectal cancer (PMID: 12606733, 15635083, 16140997, 16557584, 17368238, 22266422, 22865608, 23561487, 27829682, 28502729, 35668106) and has been observed to segregate in 5 affected members of one Lynch syndrome family (PMID: 24691292). This variant has also been reported in an individual affected with a paranganglioma (PMID: 33748650). This variant has been identified in 18/281328 chromosomes in the general population by the Genome Aggregation Database (gnomAD). Loss of MUTYH function is a known mechanism of disease. Based on the available evidence, this variant is classified as Pathogenic.

This study involves interpretation of variants in research participants for the purpose of population health screening. Participant phenotype was not available at the time of variant classification. Additional details can be found in publication PMID: 35346344, PMCID: PMC8962531

Molecular Diagnostics Laboratory, Catalan Institute of Oncology
Classification: Pathogenic for Hereditary cancer-predisposing syndrome. Last evaluated: 2024-09-03. Review status: criteria provided, single submitter. Criteria: ACMG Guidelines, 2015. Collection method: clinical testing. Allele origin: germline.
Comment: PVS1_VeryStrong, PM3_Strong c.1147del, located in exon 12 of the MUTYH gene, consists in the deletion of one nucleotide, causing a translational frameshift with a predicted alternate stop codon, p.(Ala385Profs*23). This alteration is expected to result in loss of function by premature protein truncation and nonsense-mediated mRNA decay (PVS1).This variant is found in 16/266828 alleles at a frequency of 0.006% in the gnomAD v2.1.1 database, non-cancer dataset. Multiple affected individuals have been reported with this variant in trans with another pathogenic variant (PM3_strong). This variant has been reported in the ClinVar database (1x likely pathogenic, 25x pathogenic) and in the LOVD database (numerous times as pathogenic and likely pathogenic). Based on currently available information, the variant c.1147del should be considered a pathogenic variant.

Department of Genomics, ADN Uruguay
Classification: Pathogenic for Colorectal cancer. Last evaluated: 2024-06-27. Review status: criteria provided, single submitter. Criteria: Assertion Criteria Germline. Collection method: clinical testing. Allele origin: germline. Inheritance: Autosomal recessive inheritance. Affected: yes. Observed: 1 variant allele.
Comment: The c.1063delC (p.Ala357Profs*23) variant in MUTYH is a frameshift change predicted to result in premature protein truncation and loss of function (PVS1). It is absent or extremely rare in population databases (PM2; gnomAD AF = 0.00006402). Reported as pathogenic in multiple studies of MUTYH-associated polyposis (PMID:27829682;PMID:16140997). Classified as Pathogenic according to ACMG/AMP criteria (PVS1, PM2, PS3_supporting).

Fulgent Genetics
Classification: Pathogenic for Familial adenomatous polyposis 2; Gastric cancer. Last evaluated: 2024-05-14. Review status: criteria provided, single submitter. Criteria: ACMG Guidelines, 2015. Collection method: clinical testing. Allele origin: germline.

Baylor Genetics
Classification: Pathogenic for Familial adenomatous polyposis 2. Last evaluated: 2024-03-17. Review status: criteria provided, single submitter. Criteria: ACMG Guidelines, 2015. Collection method: clinical testing. Allele origin: unknown.

Laboratorio de Genetica e Diagnostico Molecular, Hospital Israelita Albert Einstein
Classification: Pathogenic for Familial adenomatous polyposis 2. Last evaluated: 2022-12-22. Review status: criteria provided, single submitter. Criteria: ACMG Guidelines, 2015. Collection method: clinical testing. Allele origin: germline. Affected: yes. Observed: 1 variant allele.
Comment: ACMG classification criteria: PVS1 very strong, PS3 supporting, PM2 supporting, PM3 very strong

GeneDx
Classification: Pathogenic. Last evaluated: 2022-07-26. Review status: criteria provided, single submitter. Criteria: GeneDx Variant Classification Process June 2021. Collection method: clinical testing. Allele origin: germline. Affected: yes.
Comment: Frameshift variant predicted to result in protein truncation or nonsense mediated decay in a gene for which loss-of-function is a known mechanism of disease; Not observed at significant frequency in large population cohorts (gnomAD); This variant is associated with the following publications: (PMID: 19732775, 23507534, 23007840, 12606733, 31575519, 16557584, 22865608, 24691292, 18534194, 19032956, 20924129, 24728327, 27194394, 23108399, 20618354, 23561487, 28944238, 31589614, 34426522, 26556299, 31921681, 33827469, 30291343, 32088803, 33326660, 30787465, 33077847, 33134171, 30953464, 27829682)

Clinical Genetics Laboratory, Skane University Hospital Lund
Classification: Pathogenic. Last evaluated: 2022-05-27. Review status: criteria provided, single submitter. Criteria: ACMG Guidelines, 2015. Collection method: clinical testing. Allele origin: germline. Affected: yes.

Genetic Services Laboratory, University of Chicago
Classification: Pathogenic. Last evaluated: 2021-12-08. Review status: criteria provided, single submitter. Criteria: ACMG Guidelines, 2015. Collection method: clinical testing. Allele origin: germline. Affected: yes.
Comment: DNA sequence analysis of the MUTYH gene demonstrated a single base pair deletion in exon 12, c.1147del. This pathogenic sequence change results in an amino acid frameshift and creates a premature stop codon 23 amino acids downstream of the change, p.Ala385Profs*23. This pathogenic sequence change is predicted to result in an abnormal transcript, which may be degraded, or may lead to the production of a truncated MUTYH protein with potentially abnormal function. Experimental studies have demonstrated that this sequence change impacts the function of the MUTYH protein (18534194, 15987719, 23108399). This sequence change has been described in the gnomAD database with a frequency of 0.011% in the Latino/admixed American subpopulation (dbSNP rs587778536). This pathogenic sequence change is a well-described pathogenic variant identified in multiple individuals in the homozygous and compound heterozygous state with MUTYH-associated polyposis (PMID: 19732775, 26556299, 27829682, 31921681, 28944238, 30291343, 12606733, 32088803, 30953464, 15635083, 16140997, 16557584, 17368238, 22266422, 22865608, 23561487). Based on these collective evidences, this sequence change is classified as pathogenic.